The following is an entry in ClinVar:

NM_001365276.2(TNXB):c.7347C>A (p.Asp2449Glu)

Gene: TNXB (tenascin XB; minus strand). Cytogenetic location: 6p21.33.
Variant type: single nucleotide variant.
Coding change: c.7347C>A on transcript NM_001365276.2 (MANE Select); coding-DNA position 7347, C replaced by A.
Protein change: p.Asp2449Glu; replaces aspartic acid 2449 with glutamic acid.
Molecular consequence: missense variant.
Genome position (GRCh38, 1-based): chr6:32,061,542, G>T on the plus strand (C>A on the coding strand, the complement: TNXB is on the minus strand). VCF-style: chr6-32061542-G-T. GRCh37 (hg19) VCF-style: chr6-32029319-G-T.
Other names: c.7347C>A, p.Asp2449Glu (NM_019105.8); short protein forms D2449E.
Identifiers: ClinVar variation 3327900 (VCV003327900.1).

ClinVar aggregate classification (germline): Uncertain significance (1 of 4 stars; one submission).

Conditions:
Cardiovascular phenotype. Identifiers: MedGen CN230736.

gnomAD v4.1: 2 of 1,613,554 alleles (0.00012%); highest among the groups gnomAD compares: Admixed American, 0.0033%; no homozygotes.

Submission:

Ambry Genetics
Classification: Uncertain significance for Cardiovascular phenotype. Last evaluated: 2024-04-28. Review status: criteria provided, single submitter. Criteria: Ambry Variant Classification Scheme 2023. Collection method: clinical testing. Allele origin: germline.
Comment: The p.D2449E variant (also known as c.7347C>A), located in coding exon 20 of the TNXB gene, results from a C to A substitution at nucleotide position 7347. The aspartic acid at codon 2449 is replaced by glutamic acid, an amino acid with highly similar properties. This amino acid position is conserved. In addition, this alteration is predicted to be tolerated by in silico analysis. Based on the available evidence, the clinical significance of this variant remains unclear.